The following is an entry in ClinVar:

ClinVar aggregate classification (germline): Uncertain significance (1 of 4 stars; one submission).

Conditions:
Emery-Dreifuss muscular dystrophy 4, autosomal dominant (EDMD4). Also called: EMERY-DREIFUSS MUSCULAR DYSTROPHY 4 WITH VARIABLE FEATURES. Identifiers: Orphanet 261, MedGen C2751807, MONDO:0013071, OMIM 612998.
Autosomal recessive ataxia, Beauce type. Also called: SYNE1 Deficiency; Spinocerebellar ataxia, autosomal recessive 8; ATAXIA, RECESSIVE, OF BEAUCE; SYNE1-Related Autosomal Recessive Cerebellar Ataxia. Identifiers: Orphanet 88644, MedGen C1853116, MONDO:0012549, OMIM 610743.

Submission:

Labcorp Genetics (formerly Invitae), Labcorp
Classification: Uncertain significance for Emery-Dreifuss muscular dystrophy 4, autosomal dominant; Autosomal recessive ataxia, Beauce type. Last evaluated: 2022-03-27. Review status: criteria provided, single submitter. Criteria: Invitae Variant Classification Sherloc (09022015). Collection method: clinical testing. Allele origin: germline.
Comment: In summary, the available evidence is currently insufficient to determine the role of this variant in disease. Therefore, it has been classified as a Variant of Uncertain Significance. Experimental studies and prediction algorithms are not available or were not evaluated, and the functional significance of this variant is currently unknown. This variant has not been reported in the literature in individuals affected with SYNE1-related conditions. This variant is not present in population databases (gnomAD no frequency). This variant, c.2351_2374dup, results in the insertion of 8 amino acid(s) of the SYNE1 protein (p.Ser784_Glu791dup), but otherwise preserves the integrity of the reading frame.

NM_182961.4(SYNE1):c.2330_2353dup (p.Glu784_Met785insSerProGlnGluGluGlyLysGlu)

Gene: SYNE1 (spectrin repeat containing nuclear envelope protein 1; minus strand). Cytogenetic location: 6q25.2.
Variant type: Duplication.
Coding change: c.2330_2353dup on transcript NM_182961.4 (MANE Select); coding-DNA positions 2330 to 2353, 24 bases duplicated (GCCCCCAAGAAGAAGGAAAAGAAA).
Protein change: p.Glu784_Met785insSerProGlnGluGluGlyLysGlu.
Molecular consequence: inframe insertion.
Genome position (GRCh38, 1-based): chr6:152,461,638-152,461,661, TTTCTTTTCCTTCTTCTTGGGGGC duplicated on the plus strand (GCCCCCAAGAAGAAGGAAAAGAAA on the coding strand, the reverse complement: SYNE1 is on the minus strand); duplicating any 24 consecutive bases within chr6:152,461,638-152,461,668 gives the same sequence; the c. name uses the placement nearest the transcript's 3' end. VCF-style (leftmost placement, unchanged base first): chr6-152461637-A-ATTTCTTTTCCTTCTTCTTGGGGGC. GRCh37 (hg19) VCF-style: chr6-152782772-A-ATTTCTTTTCCTTCTTCTTGGGGGC.
Other names: c.2351_2374dup, p.Glu791_Met792insSerProGlnGluGluGlyLysGlu (NM_033071.5).
Identifiers: ClinVar variation 1983094 (VCV001983094.4), dbSNP rs2503172009, ClinGen allele CA2580075289.